The following is an entry in ClinVar:

ClinVar aggregate classification (germline): Uncertain significance. Review status: criteria provided, multiple submitters, no conflicts (2 of 4 stars). 2 submissions from 2 submitters: Uncertain significance (2). Last evaluated 2022-05-25.

Conditions:
Wiedemann-Steiner syndrome (WDSTS). Also called: Growth deficiency and mental retardation with facial dysmorphism. Identifiers: Orphanet 319182, MedGen C1854630, MONDO:0011518, OMIM 605130.

Submissions (2):

Labcorp Genetics (formerly Invitae), Labcorp
Classification: Uncertain significance. Last evaluated: 2022-05-25. Review status: criteria provided, single submitter. Criteria: Invitae Variant Classification Sherloc (09022015). Collection method: clinical testing. Allele origin: germline.
Comment: In summary, the available evidence is currently insufficient to determine the role of this variant in disease. Therefore, it has been classified as a Variant of Uncertain Significance. Experimental studies and prediction algorithms are not available or were not evaluated, and the functional significance of this variant is currently unknown. This variant has not been reported in the literature in individuals affected with KMT2A-related conditions. This variant is not present in population databases (gnomAD no frequency). This variant, c.467_469del, results in the deletion of 1 amino acid(s) of the KMT2A protein (p.Glu156del), but otherwise preserves the integrity of the reading frame.

Revvity Omics, Revvity
Classification: Uncertain significance for Wiedemann-Steiner syndrome. Last evaluated: 2019-04-17. Review status: criteria provided, single submitter. Criteria: ACMG Guidelines, 2015. Collection method: clinical testing. Allele origin: germline.

NM_001197104.2(KMT2A):c.464AAG[1] (p.Glu156del)

Gene: KMT2A (lysine methyltransferase 2A; plus strand). Cytogenetic location: 11q23.3.
Variant type: Microsatellite.
Coding change: c.464AAG[1] on transcript NM_001197104.2 (MANE Select); one copy of the 3-base unit AAG starting at c.464; the reference has two copies in a row; one copy, 3 bases deleted; also written c.467_469del.
Protein change: p.Glu156del; deletes glutamic acid 156.
Molecular consequence: inframe deletion. On other transcripts: inframe indel (2).
Genome position (GRCh38, 1-based): chr11:118,468,809-118,468,811, AAG deleted; deleting any 3 consecutive bases within chr11:118,468,805-118,468,811 gives the same sequence; the position shown is the placement nearest the transcript's 3' end. VCF-style (leftmost placement, unchanged base first): chr11-118468804-TGAA-T. GRCh37 (hg19) VCF-style: chr11-118339519-TGAA-T.
Other names: c.464_466AAG[1], p.Glu156del (NM_001197104.1); c.563_565AAG[1], p.Glu189del (NM_001412597.1); c.464AAG[1], p.Glu156del (NM_005933.4); c.467_469del (NM_001197104.1); short protein forms E156del, E189del.
Identifiers: ClinVar variation 2079432 (VCV002079432.7), dbSNP rs1480267323, ClinGen allele CA672318859.